The following is an entry in ClinVar:

NM_182914.3(SYNE2):c.4153G>A (p.Asp1385Asn)

Gene: SYNE2 (spectrin repeat containing nuclear envelope protein 2; plus strand). Cytogenetic location: 14q23.2.
Variant type: single nucleotide variant.
Coding change: c.4153G>A on transcript NM_182914.3 (MANE Select); coding-DNA position 4153, G replaced by A.
Protein change: p.Asp1385Asn; replaces aspartic acid 1385 with asparagine.
Molecular consequence: missense variant.
Genome position (GRCh38, 1-based): chr14:64,003,086, G>A. VCF-style: chr14-64003086-G-A. GRCh37 (hg19) VCF-style: chr14-64469804-G-A.
Other names: c.4153G>A, p.Asp1385Asn (NM_015180.6); short protein forms D1385N.
Identifiers: ClinVar variation 4706929 (VCV004706929.1).

ClinVar aggregate classification (germline): Uncertain significance (1 of 4 stars; one submission).

Conditions:
Emery-Dreifuss muscular dystrophy 5, autosomal dominant (EDMD5). Also called: EMERY-DREIFUSS MUSCULAR DYSTROPHY 5. Identifiers: Orphanet 261, MedGen C2751805, MONDO:0013072, OMIM 612999.

gnomAD v4.1: 5 of 1,614,026 alleles (0.00031%); highest among the groups gnomAD compares: Admixed American, 0.0017%; no homozygotes.

Submission:

Labcorp Genetics (formerly Invitae), Labcorp
Classification: Uncertain significance for Emery-Dreifuss muscular dystrophy 5, autosomal dominant. Last evaluated: 2025-07-01. Review status: criteria provided, single submitter. Criteria: Invitae Variant Classification Sherloc (09022015). Collection method: clinical testing. Allele origin: germline.
Comment: This sequence change replaces aspartic acid, which is acidic and polar, with asparagine, which is neutral and polar, at codon 1385 of the SYNE2 protein (p.Asp1385Asn). This variant is present in population databases (rs747369670, gnomAD 0.003%). This variant has not been reported in the literature in individuals affected with SYNE2-related conditions. An algorithm developed to predict the effect of missense changes on protein structure and function (PolyPhen-2) suggests that this variant is likely to be tolerated. In summary, the available evidence is currently insufficient to determine the role of this variant in disease. Therefore, it has been classified as a Variant of Uncertain Significance.